The following is an entry in ClinVar:

NM_004006.3(DMD):c.4057G>A (p.Glu1353Lys)

Gene: DMD (dystrophin; minus strand). Cytogenetic location: Xp21.1.
Variant type: single nucleotide variant.
Coding change: c.4057G>A on transcript NM_004006.3 (MANE Select); coding-DNA position 4057, G replaced by A.
Protein change: p.Glu1353Lys; replaces glutamic acid 1353 with lysine.
Molecular consequence: missense variant.
Genome position (GRCh38, 1-based): chrX:32,438,255, C>T on the plus strand (G>A on the coding strand, the complement: DMD is on the minus strand). VCF-style: chrX-32438255-C-T. GRCh37 (hg19) VCF-style: chrX-32456372-C-T.
Other names: c.4033G>A, p.Glu1345Lys (NM_000109.4); c.4045G>A, p.Glu1349Lys (NM_004009.3); c.3688G>A, p.Glu1230Lys (NM_004010.3); short protein forms E1349K, E1230K, E1345K, E1353K.
Identifiers: ClinVar variation 2042635 (VCV002042635.1), dbSNP rs907237595, ClinGen allele CA328025124.
Genomic context (GRCh38, chrX:32,438,255, plus strand): 5'-CATTAATGCAAATTAGATTAAAGAGATTTTTCACTTATCTTCATACCTCTTCATGTAGTT[C>T]CCTCCAACGAGAATTAAATGTCTCAAGTTCCTCATTGATTAGCTCATCCATGACTCCGCC-3'
Protein context (NP_003997.2, residues 1343-1363): ELETFNSRWR[Glu1353Lys]LHEEAVRRQK

ClinVar aggregate classification (germline): Uncertain significance (1 of 4 stars; one submission).

Conditions:
Duchenne muscular dystrophy (DMD). Also called: MUSCULAR DYSTROPHY, PSEUDOHYPERTROPHIC PROGRESSIVE, DUCHENNE TYPE; Duchenne Muscular Dystrophy (DMD). Identifiers: Orphanet 98896, MedGen C0013264, MONDO:0010679, OMIM 310200.

Allele frequency attached by ClinVar (database versions not stated): gnomAD exomes below 0.00001.
gnomAD v4.1: 2 of 1,210,811 alleles (0.00017%); highest among the groups gnomAD compares: Non-Finnish European, 0.00022%; no homozygotes.

Submission:

Labcorp Genetics (formerly Invitae), Labcorp
Classification: Uncertain significance for Duchenne muscular dystrophy. Last evaluated: 2022-03-10. Review status: criteria provided, single submitter. Criteria: Invitae Variant Classification Sherloc (09022015). Collection method: clinical testing. Allele origin: germline.
Comment: This sequence change replaces glutamic acid, which is acidic and polar, with lysine, which is basic and polar, at codon 1353 of the DMD protein (p.Glu1353Lys). This variant is not present in population databases (gnomAD no frequency). This variant has not been reported in the literature in individuals affected with DMD-related conditions. Algorithms developed to predict the effect of missense changes on protein structure and function are either unavailable or do not agree on the potential impact of this missense change (SIFT: "Deleterious"; PolyPhen-2: "Possibly Damaging"; Align-GVGD: "Class C15"). In summary, the available evidence is currently insufficient to determine the role of this variant in disease. Therefore, it has been classified as a Variant of Uncertain Significance.